The following is an entry in ClinVar:

NM_001034853.2(RPGR):c.657T>C (p.Asn219=)

Gene: RPGR (retinitis pigmentosa GTPase regulator; minus strand). Cytogenetic location: Xp11.4.
Variant type: single nucleotide variant.
Coding change: c.657T>C on transcript NM_001034853.2 (MANE Select); coding-DNA position 657, T replaced by C.
Protein change: p.Asn219=; no amino-acid change (asparagine 219 retained).
Molecular consequence: synonymous variant. On other transcripts: non-coding transcript variant (6).
Genome position (GRCh38, 1-based): chrX:38,310,736, A>G on the plus strand (T>C on the coding strand, the complement: RPGR is on the minus strand). VCF-style: chrX-38310736-A-G. GRCh37 (hg19) VCF-style: chrX-38169989-A-G.
Other names: c.657T>C, p.Asn219= (NM_000328.3, NM_001367246.1, NM_001367247.1 and 1 more transcripts); c.654T>C, p.Asn218= (NM_001367245.1, NM_001367249.1, NM_001367250.1); c.687T>C, p.Asn229= (NM_001367248.1).
Identifiers: ClinVar variation 2660297 (VCV002660297.24), dbSNP rs2067701109, ClinGen allele CA515651441.

ClinVar aggregate classification (germline): Uncertain significance (1 of 4 stars; one submission).

Allele frequency attached by ClinVar (database versions not stated): gnomAD exomes 0.00001.
gnomAD v4.1: 3 of 1,211,056 alleles (0.00025%); highest among the groups gnomAD compares: Non-Finnish European, 0.00034%; no homozygotes.

Submission:

CeGaT Center for Human Genetics Tuebingen
Classification: Uncertain significance. Last evaluated: 2023-08-01. Review status: criteria provided, single submitter. Criteria: CeGaT Center For Human Genetics Tuebingen Variant Classification Criteria Version 2. Collection method: clinical testing. Allele origin: germline. Affected: yes. Observed: 1 variant allele.
Comment: RPGR: PM2:Supporting, BP4